The following is an entry in ClinVar:

ClinVar aggregate classification (germline): Uncertain significance. Review status: criteria provided, multiple submitters, no conflicts (2 of 4 stars). 2 submissions from 2 submitters: Uncertain significance (2). Last evaluated 2024-06-03.

Conditions:
Hereditary spastic paraplegia 73. Also called: Spastic paraplegia 73, autosomal dominant. Identifiers: Orphanet 444099, MedGen C5568981, MONDO:0014568, OMIM 616282.

Allele frequency attached by ClinVar (database versions not stated): TOPMed 0.00001; gnomAD 0.00002; ExAC 0.00001.

Submissions (2):

Women's Health and Genetics/Laboratory Corporation of America, LabCorp
Classification: Uncertain significance. Last evaluated: 2024-06-03. Review status: criteria provided, single submitter. Criteria: LabCorp Variant Classification Summary - May 2015. Collection method: clinical testing. Allele origin: germline.
Comment: Variant summary: CPT1C c.1481C>T (p.Pro494Leu) results in a non-conservative amino acid change located in the Choline/carnitine acyltransferase domain (IPR039551) of the encoded protein sequence. Four of five in-silico tools predict a benign effect of the variant on protein function. The variant allele was found at a frequency of 1.2e-05 in 251328 control chromosomes. The available data on variant occurrences in the general population are insufficient to allow any conclusion about variant significance. To our knowledge, no occurrence of c.1481C>T in individuals affected with Hereditary Spastic Paraplegia 73 and no experimental evidence demonstrating its impact on protein function have been reported. ClinVar contains an entry for this variant (Variation ID: 2038133). Based on the evidence outlined above, the variant was classified as uncertain significance.

Labcorp Genetics (formerly Invitae), Labcorp
Classification: Uncertain significance for Hereditary spastic paraplegia 73. Last evaluated: 2021-12-18. Review status: criteria provided, single submitter. Criteria: Invitae Variant Classification Sherloc (09022015). Collection method: clinical testing. Allele origin: germline.
Comment: In summary, the available evidence is currently insufficient to determine the role of this variant in disease. Therefore, it has been classified as a Variant of Uncertain Significance. Algorithms developed to predict the effect of missense changes on protein structure and function output the following: SIFT: "Tolerated"; PolyPhen-2: "Probably Damaging"; Align-GVGD: "Class C0". The leucine amino acid residue is found in multiple mammalian species, which suggests that this missense change does not adversely affect protein function. This variant has not been reported in the literature in individuals affected with CPT1C-related conditions. This variant is present in population databases (rs567796699, gnomAD 0.009%). This sequence change replaces proline, which is neutral and non-polar, with leucine, which is neutral and non-polar, at codon 494 of the CPT1C protein (p.Pro494Leu).

NM_001199753.2(CPT1C):c.1514C>T (p.Pro505Leu)

Gene: CPT1C (carnitine palmitoyltransferase 1C; plus strand). Cytogenetic location: 19q13.33.
Variant type: single nucleotide variant.
Coding change: c.1514C>T on transcript NM_001199753.2 (MANE Select); coding-DNA position 1514, C replaced by T.
Protein change: p.Pro505Leu; replaces proline 505 with leucine.
Molecular consequence: missense variant. On other transcripts: non-coding transcript variant (1).
Genome position (GRCh38, 1-based): chr19:49,708,787, C>T. VCF-style: chr19-49708787-C-T. GRCh37 (hg19) VCF-style: chr19-50212044-C-T.
Other names: c.1481C>T, p.Pro494Leu (NM_001136052.3, NM_001378485.1, NM_001378487.1); c.1514C>T, p.Pro505Leu (NM_001199752.3, NM_001378483.1, NM_001378484.1 and 3 more transcripts); c.1580C>T, p.Pro527Leu (NM_001378482.1); short protein forms P527L, P494L, P505L.
Identifiers: ClinVar variation 2038133 (VCV002038133.5), dbSNP rs567796699, ClinGen allele CA9582199.